The following is an entry in ClinVar:

NM_001374385.1(ATP8B1):c.2025dup (p.Ala676fs)

Gene: ATP8B1 (ATPase phospholipid transporting 8B1; minus strand). Cytogenetic location: 18q21.31.
Variant type: Duplication.
Coding change: c.2025dup on transcript NM_001374385.1 (MANE Select); coding-DNA position 2025, one base duplicated (T; older notation c.2025dupT).
Protein change: p.Ala676fs; shifts the reading frame from alanine 676.
Molecular consequence: frameshift variant.
Genome position (GRCh38, 1-based): chr18:57,669,390, A duplicated on the plus strand (T on the coding strand, the reverse complement: ATP8B1 is on the minus strand). VCF-style (leftmost placement, unchanged base first): chr18-57669389-C-CA. GRCh37 (hg19) VCF-style: chr18-55336621-C-CA.
Other names: c.1875dup, p.Ala626fs (NM_001374386.1); c.2025dup, p.Ala676fs (NM_005603.6); short protein forms A626fs, A676fs.
Identifiers: ClinVar variation 4846598 (VCV004846598.1).
Genomic context (GRCh38, chr18:57,669,389, plus strand): 5'-TTTCAATCTCCTCATATACTTTATCCAGAGCTTCGTCCCGGTTGGTGGAGGCCACACTGG[C>CA]AGCCATAAACTTTTTATTCCATTCTGTAAATTCTTTTTCTTCAATTTCCTTGTAGCAAAG-3'

ClinVar aggregate classification (germline): Pathogenic (1 of 4 stars; one submission).

Conditions:
Familial intrahepatic cholestasis. Identifiers: Orphanet 284385, MedGen CN296401, MONDO:0017290.

Submission:

Genomenon, Inc
Classification: Pathogenic for Familial intrahepatic cholestasis. Last evaluated: 2026-04-14. Review status: criteria provided, single submitter. Criteria: Genomenon Sequence Variant Interpretation Standards - Updated. Collection method: curation. Allele origin: germline. Affected: yes.
Comment: ATP8B1 p.Ala676CysfsTer14 (c.2025dup) is a frameshift variant that results in the production of a truncated protein which is predicted to undergo nonsense-mediated mRNA decay. This variant has been observed in at least one proband with features of ATP8B1-deficiency (PMID:34985190). It is absent or not present at a significant frequency in gnomAD. In conclusion, we classify ATP8B1 p.Ala676CysfsTer14 (c.2025dup) as a pathogenic variant.

Literature cited by the submitters: PubMed 34985190.